The following is an entry in ClinVar:

ClinVar aggregate classification (germline): Pathogenic (1 of 4 stars; one submission).

Conditions:
Ullrich congenital muscular dystrophy 2 (UCMD2). Identifiers: Orphanet 75840, MedGen C4225314, MONDO:0014654, OMIM 616470.
Bethlem myopathy 2 (BTHLM2). Identifiers: Orphanet 536516, Orphanet 610, MedGen C4225313, MONDO:0034022, OMIM 616471.

Submission:

Labcorp Genetics (formerly Invitae), Labcorp
Classification: Pathogenic for Bethlem myopathy 2; Ullrich congenital muscular dystrophy 2. Last evaluated: 2025-07-15. Review status: criteria provided, single submitter. Criteria: Invitae Variant Classification Sherloc (09022015). Collection method: clinical testing. Allele origin: germline.
Comment: This sequence change creates a premature translational stop signal (p.Pro2308Serfs*22) in the COL12A1 gene. It is expected to result in an absent or disrupted protein product. Loss-of-function variants in COL12A1 are known to be pathogenic (PMID: 24334604, 28973083). This variant is not present in population databases (gnomAD no frequency). This variant has not been reported in the literature in individuals affected with COL12A1-related conditions. For these reasons, this variant has been classified as Pathogenic.

Literature cited by the submitters: PubMed 24334604; PubMed 28973083.

NM_004370.6(COL12A1):c.6920dup (p.Pro2308fs)

Gene: COL12A1 (collagen type XII alpha 1 chain; minus strand). Cytogenetic location: 6q13.
Variant type: Duplication.
Coding change: c.6920dup on transcript NM_004370.6 (MANE Select); coding-DNA position 6920, one base duplicated (C; older notation c.6920dupC).
Protein change: p.Pro2308fs; shifts the reading frame from proline 2308.
Molecular consequence: frameshift variant.
Genome position (GRCh38, 1-based): chr6:75,123,356, G duplicated on the plus strand (C on the coding strand, the reverse complement: COL12A1 is on the minus strand); the first of 5 consecutive G bases (chr6:75,123,356-75,123,360); duplicating any one gives the same sequence. VCF-style (leftmost placement, unchanged base first): chr6-75123355-A-AG. GRCh37 (hg19) VCF-style: chr6-75833071-A-AG.
Other names: c.6920dup, p.Pro2308fs (NM_001424113.1); c.6899dup, p.Pro2301fs (NM_001424114.1); c.6647dup, p.Pro2217fs (NM_001424115.1); c.3428dup, p.Pro1144fs (NM_001424116.1, NM_080645.3); short protein forms P2217fs, P2301fs, P2308fs, P1144fs.
Identifiers: ClinVar variation 4785586 (VCV004785586.1).
Genomic context (GRCh38, chr6:75,123,355, plus strand): 5'-TCAGCTGAACGTATTGCCTATTTAGCTGTACTTACCATCCCGGGCTGGTGGAATGGTGGG[A>AG]GGGGGAGGAGGTGTGGGTGGCTCTGTAGGGGCTTCTGTTGGTTTCACAGCTAAAATTTAA-3'